The following is an entry in ClinVar:

ClinVar aggregate classification (germline): Pathogenic. Review status: criteria provided, multiple submitters, no conflicts (2 of 4 stars). 2 submissions from 2 submitters: Pathogenic (2). Last evaluated 2025-12-01.

Conditions:
Hereditary cancer-predisposing syndrome. Also called: Neoplastic Syndromes, Hereditary; Hereditary neoplastic syndrome; Tumor predisposition; Hereditary Cancer Syndrome. Identifiers: Orphanet 140162, MedGen C0027672, MeSH D009386, MONDO:0015356.
Cardiovascular phenotype. Identifiers: MedGen CN230736.

Allele frequency attached by ClinVar (database versions not stated): TOPMed below 0.00001; gnomAD 0.00001.

Submissions (2):

Labcorp Genetics (formerly Invitae), Labcorp
Classification: Pathogenic. Last evaluated: 2025-12-01. Review status: criteria provided, single submitter. Criteria: Invitae Variant Classification Sherloc (09022015). Collection method: clinical testing. Allele origin: germline.
Comment: This sequence change creates a premature translational stop signal (p.Cys423Leufs*3) in the LZTR1 gene. It is expected to result in an absent or disrupted protein product. Loss-of-function variants in LZTR1 are known to be pathogenic (PMID: 24362817, 25335493, 25480913, 25795793, 29469822, 30368668, 30442762, 30442766, 30481304, 30859559). This variant is not present in population databases (gnomAD no frequency). This variant has not been reported in the literature in individuals affected with LZTR1-related conditions. ClinVar contains an entry for this variant (Variation ID: 2496804). For these reasons, this variant has been classified as Pathogenic.

Ambry Genetics
Classification: Pathogenic for Cardiovascular phenotype; Hereditary cancer-predisposing syndrome. Last evaluated: 2023-01-06. Review status: criteria provided, single submitter. Criteria: Ambry Variant Classification Scheme 2023. Collection method: clinical testing. Allele origin: germline.
Comment: The c.1266_1267delCT pathogenic mutation, located in coding exon 12 of the LZTR1 gene, results from a deletion of two nucleotides at nucleotide positions 1266 to 1267, causing a translational frameshift with a predicted alternate stop codon (p.C423Lfs*3). This variant is considered to be rare based on population cohorts in the Genome Aggregation Database (gnomAD). This alteration is expected to result in loss of function by premature protein truncation or nonsense-mediated mRNA decay. Based on the supporting evidence, this variant is pathogenic for an increased risk of LZTR1-related schwannomatosis (SWN) and would be expected to cause autosomal recessive Noonan syndrome when present along with a second pathogenic or likely pathogenic variant on the other allele; however, the association of this alteration with autosomal dominant Noonan syndrome is unlikely.

Literature cited by the submitters: PubMed 24362817 (cited by Labcorp Genetics (formerly Invitae), Labcorp); PubMed 25335493 (cited by Labcorp Genetics (formerly Invitae), Labcorp); PubMed 25480913 (cited by Labcorp Genetics (formerly Invitae), Labcorp); PubMed 25795793 (cited by Labcorp Genetics (formerly Invitae), Labcorp); PubMed 29469822 (cited by Labcorp Genetics (formerly Invitae), Labcorp); PubMed 30368668 (cited by Labcorp Genetics (formerly Invitae), Labcorp); PubMed 30442762 (cited by Labcorp Genetics (formerly Invitae), Labcorp); PubMed 30442766 (cited by Labcorp Genetics (formerly Invitae), Labcorp); PubMed 30481304 (cited by Labcorp Genetics (formerly Invitae), Labcorp); PubMed 30859559 (cited by Labcorp Genetics (formerly Invitae), Labcorp).

NM_006767.4(LZTR1):c.1266_1267del (p.Cys423fs)

Gene: LZTR1 (leucine zipper like post translational regulator 1; plus strand). Cytogenetic location: 22q11.21.
Variant type: Deletion.
Coding change: c.1266_1267del on transcript NM_006767.4 (MANE Select); coding-DNA positions 1266 to 1267, 2 bases deleted (CT; older notation c.1266_1267delCT).
Protein change: p.Cys423fs; shifts the reading frame from cysteine 423.
Molecular consequence: frameshift variant.
Genome position (GRCh38, 1-based): chr22:20,993,667-20,993,668, CT deleted. VCF-style (leftmost placement, unchanged base first): chr22-20993666-CCT-C. GRCh37 (hg19) VCF-style: chr22-21347955-CCT-C.
Other names: short protein forms C423fs.
Identifiers: ClinVar variation 2496804 (VCV002496804.3), dbSNP rs1405510958, ClinGen allele CA751565839.
Genomic context (GRCh38, chr22:20,993,666, plus strand): 5'-ACACTGGGGCCACCCTGCTGTCTGCAACATCTAGTCTCACTGGGCCCCTCTTGCAGTTCT[CCT>C]GTTACCCTAAATGCACGCTGCACGAGGACTACGGGCGGCTGTGGGAGAGCCGCCAGTTCT-3'